The following is an entry in ClinVar:

NM_000426.4(LAMA2):c.7984G>A (p.Val2662Ile)

Gene: LAMA2 (laminin subunit alpha 2; plus strand). Cytogenetic location: 6q22.33.
Variant type: single nucleotide variant.
Coding change: c.7984G>A on transcript NM_000426.4 (MANE Select); coding-DNA position 7984, G replaced by A.
Protein change: p.Val2662Ile; replaces valine 2662 with isoleucine.
Molecular consequence: missense variant.
Genome position (GRCh38, 1-based): chr6:129,491,986, G>A. VCF-style: chr6-129491986-G-A. GRCh37 (hg19) VCF-style: chr6-129813131-G-A.
Other names: c.7972G>A, p.Val2658Ile (NM_001079823.2); short protein forms V2658I, V2662I.
Identifiers: ClinVar variation 2153767 (VCV002153767.2), dbSNP rs1428704071, ClinGen allele CA365630702.

ClinVar aggregate classification (germline): Uncertain significance. Review status: criteria provided, multiple submitters, no conflicts (2 of 4 stars). 2 submissions from 2 submitters: Uncertain significance (2). Last evaluated 2022-09-01.

Conditions:
LAMA2-related muscular dystrophy (LAMA2-RD). Also called: Laminin alpha 2-related dystrophy. Identifiers: MedGen C5679788, MONDO:0100228.
Inborn genetic diseases. Identifiers: MedGen C0950123, MeSH D030342.

Allele frequency attached by ClinVar (database versions not stated): gnomAD 0.00001; TOPMed 0.00001.
gnomAD v4.1: 6 of 1,613,878 alleles (0.00037%); highest among the groups gnomAD compares: East Asian, 0.0045%; no homozygotes.

Submissions (2):

Labcorp Genetics (formerly Invitae), Labcorp
Classification: Uncertain significance for LAMA2-related muscular dystrophy. Last evaluated: 2022-09-01. Review status: criteria provided, single submitter. Criteria: Invitae Variant Classification Sherloc (09022015). Collection method: clinical testing. Allele origin: germline.
Comment: This sequence change replaces valine, which is neutral and non-polar, with isoleucine, which is neutral and non-polar, at codon 2662 of the LAMA2 protein (p.Val2662Ile). This variant is not present in population databases (gnomAD no frequency). This variant has not been reported in the literature in individuals affected with LAMA2-related conditions. Advanced modeling of protein sequence and biophysical properties (such as structural, functional, and spatial information, amino acid conservation, physicochemical variation, residue mobility, and thermodynamic stability) performed at Invitae indicates that this missense variant is not expected to disrupt LAMA2 protein function. In summary, the available evidence is currently insufficient to determine the role of this variant in disease. Therefore, it has been classified as a Variant of Uncertain Significance.

Ambry Genetics
Classification: Uncertain significance for Inborn genetic diseases. Last evaluated: 2021-06-18. Review status: criteria provided, single submitter. Criteria: Ambry Variant Classification Scheme 2023. Collection method: clinical testing. Allele origin: germline.